The following is an entry in ClinVar:

ClinVar aggregate classification (germline): Uncertain significance (1 of 4 stars; one submission).

Allele frequency attached by ClinVar (database versions not stated): gnomAD exomes below 0.00001; TOPMed below 0.00001.
gnomAD v4.1: 1 of 1,555,168 alleles (0.000064%); highest among the groups gnomAD compares: Non-Finnish European, 0.000087%; no homozygotes.

Submission:

Labcorp Genetics (formerly Invitae), Labcorp
Classification: Uncertain significance. Last evaluated: 2024-10-29. Review status: criteria provided, single submitter. Criteria: Invitae Variant Classification Sherloc (09022015). Collection method: clinical testing. Allele origin: germline.
Comment: This sequence change replaces glycine, which is neutral and non-polar, with alanine, which is neutral and non-polar, at codon 13 of the COL7A1 protein (p.Gly13Ala). This variant is not present in population databases (gnomAD no frequency). This variant has not been reported in the literature in individuals affected with COL7A1-related conditions. ClinVar contains an entry for this variant (Variation ID: 1983714). Invitae Evidence Modeling of protein sequence and biophysical properties (such as structural, functional, and spatial information, amino acid conservation, physicochemical variation, residue mobility, and thermodynamic stability) indicates that this missense variant is not expected to disrupt COL7A1 protein function with a negative predictive value of 95%. In summary, the available evidence is currently insufficient to determine the role of this variant in disease. Therefore, it has been classified as a Variant of Uncertain Significance.

NM_000094.4(COL7A1):c.38G>C (p.Gly13Ala)

Gene: COL7A1 (collagen type VII alpha 1 chain; minus strand). Cytogenetic location: 3p21.31.
Variant type: single nucleotide variant.
Coding change: c.38G>C on transcript NM_000094.4 (MANE Select); coding-DNA position 38, G replaced by C.
Protein change: p.Gly13Ala; replaces glycine 13 with alanine.
Molecular consequence: missense variant.
Genome position (GRCh38, 1-based): chr3:48,595,122, C>G on the plus strand (G>C on the coding strand, the complement: COL7A1 is on the minus strand). VCF-style: chr3-48595122-C-G. GRCh37 (hg19) VCF-style: chr3-48632555-C-G.
Other names: short protein forms G13A.
Identifiers: ClinVar variation 1983714 (VCV001983714.3), dbSNP rs2045990762, ClinGen allele CA352750499.